The following is an entry in ClinVar:

ClinVar aggregate classification (germline): Uncertain significance. Review status: criteria provided, multiple submitters, no conflicts (2 of 4 stars). 2 submissions from 2 submitters: Uncertain significance (2). Last evaluated 2021-03-12.

Conditions:
Inborn genetic diseases. Identifiers: MedGen C0950123, MeSH D030342.
Epidermolysis bullosa simplex 3, localized or generalized intermediate, with BP230 deficiency (EBS3). Also called: Epidermolysis bullosa simplex, autosomal recessive 2; Epidermolysis bullosa simplex due to BP230 deficiency. Identifiers: Orphanet 412181, MedGen C3809470, MONDO:0014180, OMIM 615425.
Hereditary sensory and autonomic neuropathy type 6. Also called: Neuropathy, hereditary sensory and autonomic, type VI; HSAN VI. Identifiers: Orphanet 314381, MedGen C3539003, MONDO:0013839, OMIM 614653.

Allele frequency attached by ClinVar (database versions not stated): gnomAD exomes below 0.00001; gnomAD 0.00001.
gnomAD v4.1: 8 of 1,613,248 alleles (0.0005%); highest among the groups gnomAD compares: Middle Eastern, 0.016%; no homozygotes.

Submissions (2):

Ambry Genetics
Classification: Uncertain significance for Inborn genetic diseases. Last evaluated: 2021-03-12. Review status: criteria provided, single submitter. Criteria: Ambry Variant Classification Scheme 2023. Collection method: clinical testing. Allele origin: germline.
Comment: The p.E3940D variant (also known as c.11820A>T), located in coding exon 64 of the DST gene, results from an A to T substitution at nucleotide position 11820. The glutamic acid at codon 3940 is replaced by aspartic acid, an amino acid with highly similar properties. This amino acid position is not well conserved in available vertebrate species, and aspartic acid is the reference amino acid in other vertebrate species. In addition, this alteration is predicted to be tolerated by in silico analysis. Since supporting evidence is limited at this time, the clinical significance of this alteration remains unclear.

Labcorp Genetics (formerly Invitae), Labcorp
Classification: Uncertain significance for Epidermolysis bullosa simplex, autosomal recessive 2; Neuropathy, hereditary sensory and autonomic, type VI. Last evaluated: 2019-01-22. Review status: criteria provided, single submitter. Criteria: Invitae Variant Classification Sherloc (09022015). Collection method: clinical testing. Allele origin: germline.
Comment: This sequence change replaces glutamic acid with aspartic acid at codon 3436 of the DST protein (p.Glu3436Asp). The glutamic acid residue is moderately conserved and there is a small physicochemical difference between glutamic acid and aspartic acid. The DST gene has multiple clinically relevant transcripts. The p.Glu3436Asp variant occurs in alternate transcript NM_015548.4, which corresponds to c.*97944A>T in NM_001723.5, the primary transcript listed in the Methods. This variant is not present in population databases (ExAC no frequency). This variant has not been reported in the literature in individuals with DST-related conditions. Algorithms developed to predict the effect of missense changes on protein structure and function are either unavailable or do not agree on the potential impact of this missense change (SIFT: "Tolerated"; PolyPhen-2: "Possibly Damaging"; Align-GVGD: "Class C0"). In summary, the available evidence is currently insufficient to determine the role of this variant in disease. Therefore, it has been classified as a Variant of Uncertain Significance.

NM_001374736.1(DST):c.18177A>T (p.Glu6059Asp)

Gene: DST (dystonin; minus strand). Cytogenetic location: 6p12.1.
Variant type: single nucleotide variant.
Coding change: c.18177A>T on transcript NM_001374736.1 (MANE Select); coding-DNA position 18177, A replaced by T.
Protein change: p.Glu6059Asp; replaces glutamic acid 6059 with aspartic acid.
Molecular consequence: missense variant.
Genome position (GRCh38, 1-based): chr6:56,517,573, T>A on the plus strand (A>T on the coding strand, the complement: DST is on the minus strand). VCF-style: chr6-56517573-T-A. GRCh37 (hg19) VCF-style: chr6-56382371-T-A.
Other names: c.11820A>T, p.Glu3940Asp (NM_001144769.5); c.11406A>T, p.Glu3802Asp (NM_001144770.2); c.18177A>T, p.Glu6059Asp (NM_001374722.1); c.17217A>T, p.Glu5739Asp (NM_001374729.1); c.10959A>T, p.Glu3653Asp (NM_001374730.1); c.18204A>T, p.Glu6068Asp (NM_001374734.1); c.10308A>T, p.Glu3436Asp (NM_015548.5); c.11286A>T, p.Glu3762Asp (NM_183380.4); short protein forms E3436D, E3802D, E3762D, E5739D, E6059D, E6068D, E3653D, E3940D.
Identifiers: ClinVar variation 964699 (VCV000964699.3), dbSNP rs1275339494, ClinGen allele CA364504349.